The following is an entry in ClinVar:

NM_015375.3(DSTYK):c.617C>T (p.Ala206Val)

Gene: DSTYK (dual serine/threonine and tyrosine protein kinase; minus strand). Cytogenetic location: 1q32.1.
Variant type: single nucleotide variant.
Coding change: c.617C>T on transcript NM_015375.3 (MANE Select); coding-DNA position 617, C replaced by T.
Protein change: p.Ala206Val; replaces alanine 206 with valine.
Molecular consequence: missense variant.
Genome position (GRCh38, 1-based): chr1:205,187,455, G>A on the plus strand (C>T on the coding strand, the complement: DSTYK is on the minus strand). VCF-style: chr1-205187455-G-A. GRCh37 (hg19) VCF-style: chr1-205156583-G-A.
Other names: c.617C>T, p.Ala206Val (NM_199462.3); c.617C>T (NM_015375.2); short protein forms A206V.
Identifiers: ClinVar variation 1522851 (VCV001522851.8), dbSNP rs1447733267, ClinGen allele CA344404037.
Genomic context (GRCh38, chr1:205,187,455, plus strand): 5'-GTATAGAAGTATGAGATTGGTACCTGTAAGAGAGCATGGTGCATCGTTACCTCCAGTTCC[G>A]CTAAAACATGAGCAGCATCCTCATTGTTCTCTTGGACCTCCAGATCCTCCTCAGGGATGG-3'
Protein context (NP_056190.1, residues 196-216): ENNEDAAHVL[Ala206Val]ELEVTMHHAL

ClinVar aggregate classification (germline): Uncertain significance. Review status: criteria provided, multiple submitters, no conflicts (2 of 4 stars). 2 submissions from 2 submitters: Uncertain significance (2). Last evaluated 2025-08-26.

Allele frequency attached by ClinVar (database versions not stated): TOPMed below 0.00001; gnomAD exomes 0.00001.
gnomAD v4.1: 13 of 1,613,762 alleles (0.00081%); highest among the groups gnomAD compares: South Asian, 0.0022%; no homozygotes.

Submissions (2):

Ambry Genetics
Classification: Uncertain significance. Last evaluated: 2025-08-26. Review status: criteria provided, single submitter. Criteria: Ambry Variant Classification Scheme 2023. Collection method: clinical testing. Allele origin: germline.

Labcorp Genetics (formerly Invitae), Labcorp
Classification: Uncertain significance. Last evaluated: 2022-10-18. Review status: criteria provided, single submitter. Criteria: Invitae Variant Classification Sherloc (09022015). Collection method: clinical testing. Allele origin: germline.
Comment: This variant is not present in population databases (gnomAD no frequency). In summary, the available evidence is currently insufficient to determine the role of this variant in disease. Therefore, it has been classified as a Variant of Uncertain Significance. Algorithms developed to predict the effect of missense changes on protein structure and function (SIFT, PolyPhen-2, Align-GVGD) all suggest that this variant is likely to be disruptive. ClinVar contains an entry for this variant (Variation ID: 1522851). This variant has not been reported in the literature in individuals affected with DSTYK-related conditions. This sequence change replaces alanine, which is neutral and non-polar, with valine, which is neutral and non-polar, at codon 206 of the DSTYK protein (p.Ala206Val).